The following is an entry in ClinVar:

NM_012330.4(KAT6B):c.3021+1G>T

Gene: KAT6B (lysine acetyltransferase 6B; plus strand). Cytogenetic location: 10q22.2.
Variant type: single nucleotide variant.
Coding change: c.3021+1G>T on transcript NM_012330.4 (MANE Select); the canonical splice donor site of the intron after coding-DNA position 3021, G replaced by T.
Molecular consequence: splice donor variant.
Genome position (GRCh38, 1-based): chr10:75,021,286, G>T. VCF-style: chr10-75021286-G-T. GRCh37 (hg19) VCF-style: chr10-76781044-G-T.
Other names: c.2145+1G>T (NM_001370139.1, NM_001370140.1, NM_001370141.1 and 2 more transcripts); c.3021+1G>T (NM_001370136.1, NM_001370137.1); c.2472+1G>T (NM_001370138.1, NM_001256468.2); c.1332+1G>T (NM_001370133.1); c.936+1G>T (NM_001370134.1); c.1956+1G>T (NM_001370143.1, NM_001370144.1); c.1983+1G>T (NM_001370132.1); c.678+1G>T (NM_001370135.1).
Identifiers: ClinVar variation 391816 (VCV000391816.2), dbSNP rs1057524241, ClinGen allele CA16605691.

ClinVar aggregate classification (germline): Pathogenic (1 of 4 stars; one submission).

Submission:

GeneDx
Classification: Pathogenic. Last evaluated: 2016-12-16. Review status: criteria provided, single submitter. Criteria: GeneDx Variant Classification (06012015). Collection method: clinical testing. Allele origin: germline. Affected: yes.
Comment: The c.3021+1G>T variant in the KAT6B gene has not been reported previously as a pathogenic variant nor as a benign variant, to our knowledge. This splice site variant destroys the canonical splice donor site in intron 15. It is predicted to cause abnormal gene splicing, either leading to an abnormal message that is subject to nonsense-mediated mRNA decay, or to an abnormal protein product if the message is used for protein translation. The c.3021+1G>T variant was not observed in approximately 6,500 individuals of European and African American ancestry in the NHLBI Exome Sequencing Project, indicating it is not a common benign variant in these populations. We interpret c.3021+1G>T as a pathogenic variant.